The following is an entry in ClinVar:

ClinVar aggregate classification (germline): Uncertain significance. Review status: criteria provided, multiple submitters, no conflicts (2 of 4 stars). 2 submissions from 2 submitters: Uncertain significance (2). Last evaluated 2026-04-24.

Allele frequency attached by ClinVar (database versions not stated): gnomAD 0.00009; ESP Exome Variant Server 0.00008.
gnomAD v4.1: 36 of 1,592,226 alleles (0.0023%); highest among the groups gnomAD compares: East Asian, 0.016%; no homozygotes.

Submissions (2):

GeneDx
Classification: Uncertain significance. Last evaluated: 2026-04-24. Review status: criteria provided, single submitter. Criteria: GeneDx Variant Classification Process June 2021. Collection method: clinical testing. Allele origin: germline.
Comment: In silico analysis suggests that this missense variant does not alter protein structure/function; Has not been previously published as pathogenic or benign to our knowledge

Ambry Genetics
Classification: Uncertain significance. Last evaluated: 2024-02-17. Review status: criteria provided, single submitter. Criteria: Ambry Variant Classification Scheme 2023. Collection method: clinical testing. Allele origin: germline.

NM_001024383.2(NAV3):c.763C>A (p.Pro255Thr)

Gene: NAV3 (neuron navigator 3; plus strand). Cytogenetic location: 12q21.2.
Variant type: single nucleotide variant.
Coding change: c.763C>A on transcript NM_001024383.2 (MANE Select); coding-DNA position 763, C replaced by A.
Protein change: p.Pro255Thr; replaces proline 255 with threonine.
Molecular consequence: missense variant.
Genome position (GRCh38, 1-based): chr12:77,998,359, C>A. VCF-style: chr12-77998359-C-A. GRCh37 (hg19) VCF-style: chr12-78392139-C-A.
Other names: c.763C>A, p.Pro255Thr (NM_014903.6); c.763C>A (NM_001024383.1); short protein forms P255T.
Identifiers: ClinVar variation 3177649 (VCV003177649.2), dbSNP rs373504958, ClinGen allele CA239402875.
Genomic context (GRCh38, chr12:77,998,359, plus strand): 5'-TGTACAATAATGATGTAATTTTTCTTATACTATTTCAGGCTTCCAGGGCCCTCTAGGGTG[C>A]CTGCTGCAGGAAGCAGCAGCAAGGTCCAGGGAGCCTCTAATTTAAATAGGAGAAGTCAGA-3'
Protein context (NP_001019554.1, residues 245-265): PTRLPGPSRV[Pro255Thr]AAGSSSKVQG